The following is an entry in ClinVar:

NM_014425.5(INVS):c.273+1G>A

Gene: INVS (inversin; plus strand). Cytogenetic location: 9q31.1.
Variant type: single nucleotide variant.
Coding change: c.273+1G>A on transcript NM_014425.5 (MANE Select); the canonical splice donor site of the intron after coding-DNA position 273, G replaced by A.
Molecular consequence: splice donor variant.
Genome position (GRCh38, 1-based): chr9:100,126,550, G>A. VCF-style: chr9-100126550-G-A. GRCh37 (hg19) VCF-style: chr9-102888832-G-A.
Other names: c.-104+1G>A (NM_001318381.2); c.-717+1G>A (NM_001318382.2).
Identifiers: ClinVar variation 2766080 (VCV002766080.3), dbSNP rs375757276, ClinGen allele CA5158107.
Genomic context (GRCh38, chr9:100,126,550, plus strand): 5'-GCAGATGTGAATAAAACTGACCATAGCCAGAGAACAGCCCTCCATCTTGCAGCCCAGAAG[G>A]TGAGAAGTAAAATTTCCTTGAAGAGTAAATGTTTTGTGTGATGTCTGCTAGTTGATTAGT-3'

ClinVar aggregate classification (germline): Likely pathogenic (1 of 4 stars; one submission).

Conditions:
Nephronophthisis. Also called: Juvenile Nephronophthisis. Identifiers: Orphanet 655, MedGen C0687120, MONDO:0019005, HP:0000090.

Allele frequency attached by ClinVar (database versions not stated): gnomAD exomes below 0.00001; ExAC 0.00001; ESP Exome Variant Server 0.00008.
gnomAD v4.1: 2 of 1,614,160 alleles (0.00012%); highest among the groups gnomAD compares: South Asian, 0.0011%; no homozygotes.

Submission:

Labcorp Genetics (formerly Invitae), Labcorp
Classification: Likely pathogenic for Nephronophthisis. Last evaluated: 2023-02-07. Review status: criteria provided, single submitter. Criteria: Invitae Variant Classification Sherloc (09022015). Collection method: clinical testing. Allele origin: germline.
Comment: This sequence change affects a donor splice site in intron 3 of the INVS gene. It is expected to disrupt RNA splicing. Variants that disrupt the donor or acceptor splice site typically lead to a loss of protein function (PMID: 16199547), and loss-of-function variants in INVS are known to be pathogenic (PMID: 12872123). This variant is present in population databases (rs375757276, gnomAD 0.0009%). This variant has not been reported in the literature in individuals affected with INVS-related conditions. Algorithms developed to predict the effect of sequence changes on RNA splicing suggest that this variant may disrupt the consensus splice site. In summary, the currently available evidence indicates that the variant is pathogenic, but additional data are needed to prove that conclusively. Therefore, this variant has been classified as Likely Pathogenic.

Literature cited by the submitters: PubMed 16199547; PubMed 12872123.